The following is an entry in ClinVar:

NM_000088.4(COL1A1):c.*548C>A

Gene: COL1A1 (collagen type I alpha 1 chain; minus strand). Cytogenetic location: 17q21.33.
Variant type: single nucleotide variant.
Coding change: c.*548C>A on transcript NM_000088.4 (MANE Select); 548 bases downstream of the stop codon, C replaced by A.
Molecular consequence: 3 prime UTR variant.
Genome position (GRCh38, 1-based): chr17:50,184,954, G>T on the plus strand (C>A on the coding strand, the complement: COL1A1 is on the minus strand). VCF-style: chr17-50184954-G-T. GRCh37 (hg19) VCF-style: chr17-48262315-G-T.
Identifiers: ClinVar variation 889214 (VCV000889214.4), dbSNP rs557681960, ClinGen allele CA291542691.

ClinVar aggregate classification (germline): Conflicting classifications of pathogenicity. Review status: criteria provided, conflicting classifications (1 of 4 stars). 3 submissions from 1 submitter: Uncertain significance (1); Benign (2). Last evaluated 2018-01-13.

Conditions:
Osteogenesis imperfecta (OI). Identifiers: Orphanet 666, MedGen C0029434, MeSH D010013, MONDO:0019019.
Ehlers-Danlos syndrome, arthrochalasia type. Also called: ARTHROCHALASIS MULTIPLEX CONGENITA; EDS VII, MUTANT PROCOLLAGEN TYPE; EDS VIIA; Ehlers-Danlos syndrome, arthrochalasia type, 1; Ehlers-Danlos syndrome, arthrochalasis type. Identifiers: Orphanet 1899, Orphanet 99875, Orphanet 99876, MedGen C4551623, MONDO:0007525, OMIM 130060.
Infantile cortical hyperostosis. Also called: Caffey Disease; Hyperostosis, Cortical, Congenital; P1PK BLOOD GROUP SYSTEM, P(2) PHENOTYPE. Identifiers: Orphanet 1310, MedGen C0020497, MONDO:0007244, OMIM 114000.

Allele frequency attached by ClinVar (database versions not stated): 1000 Genomes Project 0.00060; 1000 Genomes Project 30x 0.00094; gnomAD 0.00196 and 0.00220; TOPMed 0.00216.
gnomAD v4.1: 319 of 229,084 alleles (0.14%); highest among the groups gnomAD compares: African/African-American, 0.67%; no homozygotes.

Submissions (3):

Illumina Laboratory Services, Illumina
Classification: Benign for Ehlers-Danlos syndrome, arthrochalasia type. Last evaluated: 2018-01-13. Review status: criteria provided, single submitter. Criteria: ICSL Variant Classification Criteria 13 December 2019. Collection method: clinical testing. Allele origin: germline.
Comment: This variant was observed in the ICSL laboratory as part of a predisposition screen in an ostensibly healthy population. It had not been previously curated by ICSL or reported in the Human Gene Mutation Database (HGMD: prior to June 1st, 2018), and was therefore a candidate for classification through an automated scoring system. Utilizing variant allele frequency, disease prevalence and penetrance estimates, and inheritance mode, an automated score was calculated to assess if this variant is too frequent to cause the disease. Based on the score and internal cut-off values, a variant classified as benign is not then subjected to further curation. The score for this variant resulted in a classification of benign for this disease.

Illumina Laboratory Services, Illumina
Classification: Benign for Osteogenesis imperfecta. Last evaluated: 2018-01-13. Review status: criteria provided, single submitter. Criteria: ICSL Variant Classification Criteria 13 December 2019. Collection method: clinical testing. Allele origin: germline.
Comment: the same text as in the submission from Illumina Laboratory Services, Illumina above.

Illumina Laboratory Services, Illumina
Classification: Uncertain significance for Infantile cortical hyperostosis. Last evaluated: 2018-01-13. Review status: criteria provided, single submitter. Criteria: ICSL Variant Classification Criteria 13 December 2019. Collection method: clinical testing. Allele origin: germline.